The following is an entry in ClinVar:

NM_006831.3(CLP1):c.412G>A (p.Ala138Thr)

Gene: CLP1 (cleavage factor polyribonucleotide kinase subunit 1; plus strand). Cytogenetic location: 11q12.1.
Variant type: single nucleotide variant.
Coding change: c.412G>A on transcript NM_006831.3 (MANE Select); coding-DNA position 412, G replaced by A.
Protein change: p.Ala138Thr; replaces alanine 138 with threonine.
Molecular consequence: missense variant.
Genome position (GRCh38, 1-based): chr11:57,659,888, G>A. VCF-style: chr11-57659888-G-A. GRCh37 (hg19) VCF-style: chr11-57427360-G-A.
Other names: c.412G>A, p.Ala138Thr (NM_001142597.2); short protein forms A138T.
Identifiers: ClinVar variation 1503689 (VCV001503689.6), dbSNP rs368119334, ClinGen allele CA6008515.

ClinVar aggregate classification (germline): Uncertain significance (1 of 4 stars; one submission).

Allele frequency attached by ClinVar (database versions not stated): gnomAD exomes 0.00001 and 0.00002; gnomAD 0.00003 and 0.00004; ExAC 0.00004; TOPMed 0.00007; ESP Exome Variant Server 0.00008.

Submission:

Labcorp Genetics (formerly Invitae), Labcorp
Classification: Uncertain significance. Last evaluated: 2022-06-05. Review status: criteria provided, single submitter. Criteria: Invitae Variant Classification Sherloc (09022015). Collection method: clinical testing. Allele origin: germline.
Comment: ClinVar contains an entry for this variant (Variation ID: 1503689). Algorithms developed to predict the effect of missense changes on protein structure and function are either unavailable or do not agree on the potential impact of this missense change (SIFT: "Deleterious"; PolyPhen-2: "Probably Damaging"; Align-GVGD: "Class C0"). In summary, the available evidence is currently insufficient to determine the role of this variant in disease. Therefore, it has been classified as a Variant of Uncertain Significance. This variant has not been reported in the literature in individuals affected with CLP1-related conditions. This sequence change replaces alanine, which is neutral and non-polar, with threonine, which is neutral and polar, at codon 138 of the CLP1 protein (p.Ala138Thr). This variant is present in population databases (rs368119334, gnomAD 0.03%).